The following is an entry in ClinVar:

NM_002585.4(PBX1):c.401C>T (p.Ala134Val)

Gene: PBX1 (PBX homeobox 1; plus strand). Cytogenetic location: 1q23.3.
Variant type: single nucleotide variant.
Coding change: c.401C>T on transcript NM_002585.4 (MANE Select); coding-DNA position 401, C replaced by T.
Protein change: p.Ala134Val; replaces alanine 134 with valine.
Molecular consequence: missense variant.
Genome position (GRCh38, 1-based): chr1:164,792,629, C>T. VCF-style: chr1-164792629-C-T. GRCh37 (hg19) VCF-style: chr1-164761866-C-T.
Other names: c.401C>T, p.Ala134Val (NM_001204961.2, NM_001204963.2, NM_001353131.2); c.152C>T, p.Ala51Val (NM_001353130.1); short protein forms A134V, A51V.
Identifiers: ClinVar variation 4775627 (VCV004775627.1).

ClinVar aggregate classification (germline): Uncertain significance (1 of 4 stars; one submission).

gnomAD v4.1: 4 of 1,613,610 alleles (0.00025%); highest among the groups gnomAD compares: Admixed American, 0.0033%; no homozygotes.

Submission:

Labcorp Genetics (formerly Invitae), Labcorp
Classification: Uncertain significance. Last evaluated: 2025-10-20. Review status: criteria provided, single submitter. Criteria: Invitae Variant Classification Sherloc (09022015). Collection method: clinical testing. Allele origin: germline.
Comment: This sequence change replaces alanine, which is neutral and non-polar, with valine, which is neutral and non-polar, at codon 134 of the PBX1 protein (p.Ala134Val). This variant is present in population databases (rs754428947, gnomAD 0.003%). This variant has not been reported in the literature in individuals affected with PBX1-related conditions. Invitae Evidence Modeling of protein sequence and biophysical properties (such as structural, functional, and spatial information, amino acid conservation, physicochemical variation, residue mobility, and thermodynamic stability) indicates that this missense variant is not expected to disrupt PBX1 protein function with a negative predictive value of 80%. In summary, the available evidence is currently insufficient to determine the role of this variant in disease. Therefore, it has been classified as a Variant of Uncertain Significance.